The following is an entry in ClinVar:

ClinVar aggregate classification (germline): Likely pathogenic (0 of 4 stars; one submission).

Conditions:
X-linked lymphoproliferative disease due to SH2D1A deficiency (XLP1). Also called: DUNCAN DISEASE; IMMUNODEFICIENCY 5; IMMUNODEFICIENCY, X-LINKED PROGRESSIVE COMBINED VARIABLE; INFECTIOUS MONONUCLEOSIS, SEVERE, SUSCEPTIBILITY TO; PURTILO SYNDROME; SH2D1A-Related Lymphoproliferative Disease, X-Linked. Identifiers: Orphanet 2442, Orphanet 538931, MedGen C5399825, MONDO:0024551, OMIM 308240.

Submission:

Department of Neurology, Hunan Children's Hospital
Classification: Likely pathogenic for X-linked lymphoproliferative disease due to SH2D1A deficiency. Review status: no assertion criteria provided. Collection method: clinical testing. Allele origin: germline. Affected: yes. Observed: 1 variant allele, 1 hemizygote.
Comment: The variant functionally disrupted the splice site causing the exon 2 skipping was confirmed by Inversion-PCR, RT-PCR, and Gap-PCR.

NC_000023.11:g.[124350560_124365777del;124365777_124365917inv;124365911_124365916del]

Gene: SH2D1A (SH2 domain containing 1A; plus strand).
Variant type: Complex.
Identifiers: ClinVar variation 1210283 (VCV001210283.2).